The following is an entry in ClinVar:

ClinVar aggregate classification (germline): Uncertain significance. Review status: criteria provided, multiple submitters, no conflicts (2 of 4 stars). 2 submissions from 2 submitters: Uncertain significance (2). Last evaluated 2025-06-11.

Conditions:
Dyskeratosis congenita, autosomal dominant 6 (DKCA6). Identifiers: Orphanet 3322, MedGen C4225284, MONDO:0014690, OMIM 616553.
Inborn genetic diseases. Identifiers: MedGen C0950123, MeSH D030342.

Allele frequency attached by ClinVar (database versions not stated): ExAC 0.00001; gnomAD exomes 0.00002; gnomAD 0.00004; TOPMed 0.00005.
gnomAD v4.1: 11 of 1,610,864 alleles (0.00068%); highest among the groups gnomAD compares: African/African-American, 0.013%; no homozygotes.

Submissions (2):

Ambry Genetics
Classification: Uncertain significance for Inborn genetic diseases. Last evaluated: 2025-06-11. Review status: criteria provided, single submitter. Criteria: Ambry Variant Classification Scheme 2023. Collection method: clinical testing. Allele origin: germline.

Labcorp Genetics (formerly Invitae), Labcorp
Classification: Uncertain significance for Dyskeratosis congenita, autosomal dominant 6. Last evaluated: 2023-08-09. Review status: criteria provided, single submitter. Criteria: Invitae Variant Classification Sherloc (09022015). Collection method: clinical testing. Allele origin: germline.
Comment: In summary, the available evidence is currently insufficient to determine the role of this variant in disease. Therefore, it has been classified as a Variant of Uncertain Significance. Algorithms developed to predict the effect of missense changes on protein structure and function output the following: SIFT: "Not Available"; PolyPhen-2: "Benign"; Align-GVGD: "Not Available". The histidine amino acid residue is found in multiple mammalian species, which suggests that this missense change does not adversely affect protein function. ClinVar contains an entry for this variant (Variation ID: 567408). This variant has not been reported in the literature in individuals affected with ACD-related conditions. This variant is present in population databases (rs776468683, gnomAD 0.02%). This sequence change replaces glutamine, which is neutral and polar, with histidine, which is basic and polar, at codon 333 of the ACD protein (p.Gln333His).

NM_001082486.2(ACD):c.741G>C (p.Gln247His)

Gene: ACD (ACD shelterin complex subunit and telomerase recruitment factor; minus strand). Cytogenetic location: 16q22.1.
Variant type: single nucleotide variant.
Coding change: c.741G>C on transcript NM_001082486.2 (MANE Select); coding-DNA position 741, G replaced by C.
Protein change: p.Gln247His; replaces glutamine 247 with histidine.
Molecular consequence: missense variant.
Genome position (GRCh38, 1-based): chr16:67,658,721, C>G on the plus strand (G>C on the coding strand, the complement: ACD is on the minus strand). VCF-style: chr16-67658721-C-G. GRCh37 (hg19) VCF-style: chr16-67692624-C-G.
Other names: c.741G>C, p.Gln247His (LRG_1237t1); c.732G>C, p.Gln244His (NM_022914.3); short protein forms Q247H, Q244H.
Identifiers: ClinVar variation 567408 (VCV000567408.11), dbSNP rs776468683, ClinGen allele CA8114556.